The following is an entry in ClinVar:

ClinVar aggregate classification (germline): Uncertain significance (1 of 4 stars; one submission).

Submission:

Labcorp Genetics (formerly Invitae), Labcorp
Classification: Uncertain significance. Last evaluated: 2023-03-26. Review status: criteria provided, single submitter. Criteria: Invitae Variant Classification Sherloc (09022015). Collection method: clinical testing. Allele origin: germline.
Comment: In summary, the available evidence is currently insufficient to determine the role of this variant in disease. Therefore, it has been classified as a Variant of Uncertain Significance. Advanced modeling of protein sequence and biophysical properties (such as structural, functional, and spatial information, amino acid conservation, physicochemical variation, residue mobility, and thermodynamic stability) performed at Invitae indicates that this missense variant is expected to disrupt GRIN2D protein function. This variant has not been reported in the literature in individuals affected with GRIN2D-related conditions. This variant is not present in population databases (gnomAD no frequency). This sequence change replaces asparagine, which is neutral and polar, with isoleucine, which is neutral and non-polar, at codon 676 of the GRIN2D protein (p.Asn676Ile).

NM_000836.4(GRIN2D):c.2027A>T (p.Asn676Ile)

Gene: GRIN2D (glutamate ionotropic receptor NMDA type subunit 2D; plus strand). Cytogenetic location: 19q13.33.
Variant type: single nucleotide variant.
Coding change: c.2027A>T on transcript NM_000836.4 (MANE Select); coding-DNA position 2027, A replaced by T.
Protein change: p.Asn676Ile; replaces asparagine 676 with isoleucine.
Molecular consequence: missense variant.
Genome position (GRCh38, 1-based): chr19:48,419,750, A>T. VCF-style: chr19-48419750-A-T. GRCh37 (hg19) VCF-style: chr19-48923007-A-T.
Other names: short protein forms N676I.
Identifiers: ClinVar variation 2849737 (VCV002849737.3), dbSNP rs2513675408, ClinGen allele CA406698315.
Genomic context (GRCh38, chr19:48,419,750, plus strand): 5'-AAATCATGGTGCTGGTGTGGGCCTTCTTCGCCGTCATCTTCCTCGCCAGCTACACAGCCA[A>T]CCTGGCCGCCTTCATGATCCAGGAGGAGTACGTGGATACTGTGTCTGGGCTCAGTGACCG-3'
Protein context (NP_000827.2, residues 666-686): AVIFLASYTA[Asn676Ile]LAAFMIQEEY